The following is an entry in ClinVar:

ClinVar aggregate classification (germline): Pathogenic/Likely pathogenic. Review status: criteria provided, multiple submitters, no conflicts (2 of 4 stars). 2 submissions from 2 submitters: Pathogenic (1); Likely pathogenic (1). Last evaluated 2025-11-15.

Conditions:
GLUT1 deficiency syndrome 1, autosomal recessive. Identifiers: MedGen C3149117.

Submissions (2):

GeneDx
Classification: Likely pathogenic. Last evaluated: 2025-11-15. Review status: criteria provided, single submitter. Criteria: GeneDx Variant Classification Process June 2021. Collection method: clinical testing. Allele origin: germline.
Comment: Published functional studies found this variant introduces an upstream out-of-frame translation initiation codon (PMID: 28378819); No data available from control populations to assess the frequency of this variant; This variant is associated with the following publications: (PMID: 35388452, 28378819)

Labcorp Genetics (formerly Invitae), Labcorp
Classification: Pathogenic for GLUT1 deficiency syndrome 1, autosomal recessive. Last evaluated: 2025-08-21. Review status: criteria provided, single submitter. Criteria: Invitae Variant Classification Sherloc (09022015). Collection method: clinical testing. Allele origin: germline.
Comment: This variant occurs in a non-coding region of the SLC2A1 gene. It does not change the encoded amino acid sequence of the SLC2A1 protein. This variant is not present in population databases (gnomAD no frequency). This variant has been observed in individual(s) with clinical features of glucose transporter type 1 deficiency syndrome (GLUT1DS) (PMID: 28378819, 35388452; internal data). In at least one individual the variant was observed to be de novo. ClinVar contains an entry for this variant (Variation ID: 1491299). Studies have shown that this variant alters SLC2A1 gene expression (PMID: 28378819). For these reasons, this variant has been classified as Pathogenic.

Literature cited by the submitters: PubMed 28378819 (cited by Labcorp Genetics (formerly Invitae), Labcorp); PubMed 35388452 (cited by Labcorp Genetics (formerly Invitae), Labcorp).

NM_006516.4(SLC2A1):c.-107G>A

Gene: SLC2A1 (solute carrier family 2 member 1; minus strand). Cytogenetic location: 1p34.2.
Variant type: single nucleotide variant.
Coding change: c.-107G>A on transcript NM_006516.4 (MANE Select); 107 bases upstream of the start codon, G replaced by A.
Molecular consequence: 5 prime UTR variant.
Genome position (GRCh38, 1-based): chr1:42,958,758, C>T on the plus strand (G>A on the coding strand, the complement: SLC2A1 is on the minus strand). VCF-style: chr1-42958758-C-T. GRCh37 (hg19) VCF-style: chr1-43424429-C-T.
Identifiers: ClinVar variation 1491299 (VCV001491299.8), dbSNP rs2124478855, ClinGen allele CA2573132292.